The following is an entry in ClinVar:

ClinVar aggregate classification (germline): Benign. Review status: criteria provided, multiple submitters, no conflicts (2 of 4 stars). 2 submissions from 2 submitters: Benign (2). Last evaluated 2018-06-14.

Allele frequency attached by ClinVar (database versions not stated): 1000 Genomes Project 0.24940; 1000 Genomes Project 30x 0.25078; TOPMed 0.35719; gnomAD exomes 0.49126.
gnomAD v4.1: 644,039 of 1,347,466 alleles (48%); highest among the groups gnomAD compares: Non-Finnish European, 54%; 166,069 homozygotes.

Submissions (2):

GeneDx
Classification: Benign. Last evaluated: 2018-06-14. Review status: criteria provided, single submitter. Criteria: GeneDx Variant Classification (06012015). Collection method: clinical testing. Allele origin: germline. Affected: yes.
Comment: This variant is considered likely benign or benign based on one or more of the following criteria: it is a conservative change, it occurs at a poorly conserved position in the protein, it is predicted to be benign by multiple in silico algorithms, and/or has population frequency not consistent with disease.

Breakthrough Genomics
Classification: Benign. Review status: criteria provided, single submitter. Criteria: ACMG Guidelines, 2015. Collection method: not provided. Allele origin: germline. Inheritance: Autosomal dominant inheritance. Affected: yes.

NM_001005242.3(PKP2):c.2357+72G>A

Gene: PKP2 (plakophilin 2; minus strand). Cytogenetic location: 12p11.21.
Variant type: single nucleotide variant.
Coding change: c.2357+72G>A on transcript NM_001005242.3 (MANE Select); 72 bases into the intron after coding-DNA position 2357, G replaced by A.
Molecular consequence: intron variant.
Genome position (GRCh38, 1-based): chr12:32,796,037, C>T on the plus strand (G>A on the coding strand, the complement: PKP2 is on the minus strand). VCF-style: chr12-32796037-C-T. GRCh37 (hg19) VCF-style: chr12-32948971-C-T.
Other names: c.2489+72G>A (NM_004572.4).
Identifiers: ClinVar variation 674370 (VCV000674370.2), dbSNP rs61927769, ClinGen allele CA13645546.